The following is an entry in ClinVar:

NM_000110.4(DPYD):c.2161G>A (p.Ala721Thr)

Genes: DPYD (dihydropyrimidine dehydrogenase; minus strand), DPYD-AS1 (DPYD antisense RNA 1; plus strand). Cytogenetic location: 1p21.3.
Variant type: single nucleotide variant.
Coding change: c.2161G>A on transcript NM_000110.4 (MANE Select); coding-DNA position 2161, G replaced by A.
Protein change: p.Ala721Thr; replaces alanine 721 with threonine.
Molecular consequence: missense variant. On other transcripts: non-coding transcript variant (1).
Genome position (GRCh38, 1-based): chr1:97,306,195, C>T on the plus strand (G>A on the coding strand, the complement: DPYD is on the minus strand). VCF-style: chr1-97306195-C-T. GRCh37 (hg19) VCF-style: chr1-97771751-C-T.
Other names: short protein forms A721T.
Identifiers: ClinVar variation 100082 (VCV000100082.16), dbSNP rs145548112, ClinGen allele CA228101.

ClinVar aggregate classification (germline): Uncertain significance. Review status: criteria provided, multiple submitters, no conflicts (2 of 4 stars). 3 submissions from 3 submitters: Uncertain significance (2). 1 of the submissions does not count toward it. Last evaluated 2024-10-01.

Allele frequency attached by ClinVar (database versions not stated): 1000 Genomes Project 30x 0.00031; 1000 Genomes Project 0.00040; TOPMed 0.00002; ESP Exome Variant Server 0.00008; gnomAD 0.00010 and 0.00011; ExAC 0.00012.
gnomAD v4.1: 151 of 1,612,376 alleles (0.0094%); highest among the groups gnomAD compares: Middle Eastern, 0.066%; no homozygotes.

Submissions (3):

CeGaT Center for Human Genetics Tuebingen
Classification: Uncertain significance. Last evaluated: 2024-10-01. Review status: criteria provided, single submitter. Criteria: CeGaT Center For Human Genetics Tuebingen Variant Classification Criteria Version 2. Collection method: clinical testing. Allele origin: germline. Affected: yes. Observed: 1 variant allele.
Comment: DPYD: PM2

Blueprint Genetics
Classification: Uncertain significance. Last evaluated: 2024-07-10. Review status: criteria provided, single submitter. Criteria: ACMG Guidelines, 2015. Collection method: clinical testing. Allele origin: germline.

Diasio Lab,  Mayo Clinic
No classification provided. Review status: no classification provided. Collection method: not provided. Allele origin: unknown. Not counted in ClinVar's aggregate classification.